The following is an entry in ClinVar:

ClinVar aggregate classification (germline): Conflicting classifications of pathogenicity. Review status: criteria provided, conflicting classifications (1 of 4 stars). 3 submissions from 3 submitters: Uncertain significance (2); Likely benign (1). Last evaluated 2024-02-26.

Conditions:
Hereditary cancer-predisposing syndrome. Also called: Hereditary neoplastic syndrome; Neoplastic Syndromes, Hereditary; Tumor predisposition; Hereditary Cancer Syndrome. Identifiers: Orphanet 140162, MedGen C0027672, MeSH D009386, MONDO:0015356.
Breast-ovarian cancer, familial, susceptibility to, 4. Identifiers: Orphanet 145, MedGen C3280345, MONDO:0013669, OMIM 614291.

Submissions (3):

Ambry Genetics
Classification: Likely benign for Hereditary cancer-predisposing syndrome. Last evaluated: 2024-02-26. Review status: criteria provided, single submitter. Criteria: Ambry Variant Classification Scheme 2023. Collection method: clinical testing. Allele origin: germline.

Baylor Genetics
Classification: Uncertain significance for Breast-ovarian cancer, familial, susceptibility to, 4. Last evaluated: 2023-07-29. Review status: criteria provided, single submitter. Criteria: ACMG Guidelines, 2015. Collection method: clinical testing. Allele origin: unknown.

Labcorp Genetics (formerly Invitae), Labcorp
Classification: Uncertain significance for Breast-ovarian cancer, familial, susceptibility to, 4. Last evaluated: 2022-07-15. Review status: criteria provided, single submitter. Criteria: Invitae Variant Classification Sherloc (09022015). Collection method: clinical testing. Allele origin: germline.
Comment: This variant has not been reported in the literature in individuals affected with RAD51D-related conditions. ClinVar contains an entry for this variant (Variation ID: 186089). Algorithms developed to predict the effect of missense changes on protein structure and function (SIFT, PolyPhen-2, Align-GVGD) all suggest that this variant is likely to be tolerated. In summary, the available evidence is currently insufficient to determine the role of this variant in disease. Therefore, it has been classified as a Variant of Uncertain Significance. This variant is not present in population databases (gnomAD no frequency). This sequence change replaces valine, which is neutral and non-polar, with isoleucine, which is neutral and non-polar, at codon 6 of the RAD51D protein (p.Val6Ile).

NM_002878.4(RAD51D):c.16G>A (p.Val6Ile)

Genes: RAD51D (RAD51 paralog D; minus strand), RAD51L3-RFFL (RAD51L3-RFFL readthrough; minus strand). Cytogenetic location: 17q12.
Variant type: single nucleotide variant.
Coding change: c.16G>A on transcript NM_002878.4 (MANE Select); coding-DNA position 16, G replaced by A.
Protein change: p.Val6Ile; replaces valine 6 with isoleucine.
Molecular consequence: missense variant. On other transcripts: non-coding transcript variant (2).
Genome position (GRCh38, 1-based): chr17:35,119,598, C>T on the plus strand (G>A on the coding strand, the complement: RAD51D is on the minus strand). VCF-style: chr17-35119598-C-T. GRCh37 (hg19) VCF-style: chr17-33446617-C-T.
Other names: c.16G>A, p.Val6Ile (NM_001142571.2, NM_133629.3); short protein forms V6I.
Identifiers: ClinVar variation 186089 (VCV000186089.16), dbSNP rs368198698, ClinGen allele CA193835.